The following is an entry in ClinVar:

ClinVar aggregate classification (germline): Uncertain significance (1 of 4 stars; one submission).

Submission:

GeneDx
Classification: Uncertain significance. Last evaluated: 2020-11-17. Review status: criteria provided, single submitter. Criteria: GeneDx Variant Classification Process June 2021. Collection method: clinical testing. Allele origin: germline. Affected: yes.
Comment: Has not been previously published as pathogenic or benign to our knowledge; In silico analysis supports that this missense variant has a deleterious effect on protein structure/function; In silico analysis, which includes splice predictors and evolutionary conservation, also suggests this variant may impact gene splicing. In the absence of RNA/functional studies, the actual effect of this sequence change is unknown.; Not observed in large population cohorts (Lek et al., 2016)

NM_003466.4(PAX8):c.122G>A (p.Gly41Asp)

Genes: PAX8 (paired box 8; minus strand), PAX8-AS1 (PAX8 antisense RNA 1; plus strand). Cytogenetic location: 2q14.1.
Variant type: single nucleotide variant.
Coding change: c.122G>A on transcript NM_003466.4 (MANE Select); coding-DNA position 122, G replaced by A.
Protein change: p.Gly41Asp; replaces glycine 41 with aspartic acid.
Molecular consequence: missense variant.
Genome position (GRCh38, 1-based): chr2:113,246,823, C>T on the plus strand (G>A on the coding strand, the complement: PAX8 is on the minus strand). VCF-style: chr2-113246823-C-T. GRCh37 (hg19) VCF-style: chr2-114004400-C-T.
Other names: c.122G>A, p.Gly41Asp (NM_013952.4, NM_013953.4, NM_013992.4); short protein forms G41D.
Identifiers: ClinVar variation 1206735 (VCV001206735.3), dbSNP rs2104507757, ClinGen allele CA348303446.
Genomic context (GRCh38, chr2:113,246,823, plus strand): 5'-ATCTTGCTGACGCAGCCATGGCTGACGCGGAGCTGGCGAGAGATGTCGCAGGGCCTTACA[C>T]CCTGGTGGGCCAGGTCTACGATGCGCTGGCGGACCACTTCCGGCAGAGGTCTGCCATTCA-3'
Protein context (NP_003457.1, residues 31-51): RQRIVDLAHQ[Gly41Asp]VRPCDISRQL